The following is an entry in ClinVar:

ClinVar aggregate classification (germline): Likely benign (1 of 4 stars; one submission).

Submission:

GeneDx
Classification: Likely benign. Last evaluated: 2022-11-23. Review status: criteria provided, single submitter. Criteria: GeneDx Variant Classification Process June 2021. Collection method: clinical testing. Allele origin: germline. Affected: yes.
Comment: See Variant Classification Assertion Criteria.

NM_145239.3(PRRT2):c.-65-15CTC[2]

Genes: MVP-DT (MVP divergent transcript; minus strand), PRRT2 (proline rich transmembrane protein 2; plus strand). Cytogenetic location: 16p11.2.
Variant type: Microsatellite.
Coding change: c.-65-15CTC[2] on transcript NM_145239.3 (MANE Select); two copies in a row of the 3-base unit CTC starting at c.-65-15; the reference has three copies in a row; one copy, 3 bases deleted.
Molecular consequence: intron variant.
Genome position (GRCh38, 1-based): chr16:29,812,981-29,812,983, CTC deleted; deleting any 3 consecutive bases within chr16:29,812,975-29,812,983 gives the same sequence; the position shown is the placement nearest the transcript's 3' end. VCF-style (leftmost placement, unchanged base first): chr16-29812974-TCTC-T. GRCh37 (hg19) VCF-style: chr16-29824295-TCTC-T.
Other names: c.-65-9_-65-7delCTC (NM_145239.2); c.-65-15CTC[2] (NM_001256443.2, NM_001256442.2).
Identifiers: ClinVar variation 510853 (VCV000510853.2), dbSNP rs1555502536, ClinGen allele CA658798584.